The following is an entry in ClinVar:

ClinVar aggregate classification (germline): Conflicting classifications of pathogenicity. Review status: criteria provided, conflicting classifications (1 of 4 stars). 3 submissions from 3 submitters: Likely pathogenic (1); Uncertain significance (1). 1 of the submissions does not count toward it. Last evaluated 2024-11-12.

Conditions:
Joubert syndrome 31. Identifiers: MedGen C4540355, MONDO:0033310, OMIM 617761.
Short-rib thoracic dysplasia 13 with or without polydactyly (SRTD13). Identifiers: Orphanet 474, MedGen C4225378, MONDO:0014577, OMIM 616300.

Allele frequency attached by ClinVar (database versions not stated): gnomAD 0.00001; gnomAD exomes 0.00001 and 0.00002; ExAC 0.00003.
gnomAD v4.1: 16 of 1,613,388 alleles (0.00099%); highest among the groups gnomAD compares: South Asian, 0.0033%; no homozygotes.

Submissions (3):

Labcorp Genetics (formerly Invitae), Labcorp
Classification: Uncertain significance for Short-rib thoracic dysplasia 13 with or without polydactyly. Last evaluated: 2024-11-12. Review status: criteria provided, single submitter. Criteria: Invitae Variant Classification Sherloc (09022015). Collection method: clinical testing. Allele origin: germline.
Comment: This sequence change replaces alanine, which is neutral and non-polar, with valine, which is neutral and non-polar, at codon 549 of the CEP120 protein (p.Ala549Val). This variant is present in population databases (rs775080726, gnomAD 0.007%). This missense change has been observed in individual(s) with Joubert syndrome (PMID: 27208211). In at least one individual the data is consistent with being in trans (on the opposite chromosome) from a pathogenic variant. ClinVar contains an entry for this variant (Variation ID: 446148). Invitae Evidence Modeling of protein sequence and biophysical properties (such as structural, functional, and spatial information, amino acid conservation, physicochemical variation, residue mobility, and thermodynamic stability) indicates that this missense variant is not expected to disrupt CEP120 protein function with a negative predictive value of 80%. In summary, the available evidence is currently insufficient to determine the role of this variant in disease. Therefore, it has been classified as a Variant of Uncertain Significance.

Institute of Medical Genetics and Applied Genomics, University Hospital Tübingen
Classification: Likely pathogenic. Last evaluated: 2020-10-23. Review status: criteria provided, single submitter. Criteria: ACMG Guidelines, 2015. Collection method: clinical testing. Allele origin: germline. Inheritance: Autosomal recessive inheritance. Affected: yes.

OMIM
Classification: Pathogenic for JOUBERT SYNDROME 31. Last evaluated: 2017-11-06. Review status: no assertion criteria provided. Collection method: literature only. Allele origin: germline. Not counted in ClinVar's aggregate classification.

Literature cited by the submitters: PubMed 27208211 (cited by Labcorp Genetics (formerly Invitae), Labcorp and OMIM).

NM_001375405.1(CEP120):c.1646C>T (p.Ala549Val)

Gene: CEP120 (centrosomal protein 120; minus strand). Cytogenetic location: 5q23.2.
Variant type: single nucleotide variant.
Coding change: c.1646C>T on transcript NM_001375405.1 (MANE Select); coding-DNA position 1646, C replaced by T.
Protein change: p.Ala549Val; replaces alanine 549 with valine.
Molecular consequence: missense variant. On other transcripts: non-coding transcript variant (1).
Genome position (GRCh38, 1-based): chr5:123,385,068, G>A on the plus strand (C>T on the coding strand, the complement: CEP120 is on the minus strand). VCF-style: chr5-123385068-G-A. GRCh37 (hg19) VCF-style: chr5-122720762-G-A.
Other names: c.1073C>T, p.Ala358Val (NM_001375409.1, NM_001375408.1); c.1646C>T, p.Ala549Val (NM_153223.4, NM_001375407.1); c.1568C>T, p.Ala523Val (NM_001166226.2); c.1511C>T, p.Ala504Val (NM_001375406.1); short protein forms A549V, A523V, A358V, A504V.
Identifiers: ClinVar variation 446148 (VCV000446148.5), dbSNP rs775080726, ClinGen allele CA3386908.